The following is an entry in ClinVar:

NM_001127222.2(CACNA1A):c.400-173C>T

Gene: CACNA1A (calcium voltage-gated channel subunit alpha1 A; minus strand). Cytogenetic location: 19p13.13.
Variant type: single nucleotide variant.
Coding change: c.400-173C>T on transcript NM_001127222.2 (MANE Select); 173 bases into the intron before coding-DNA position 400, C replaced by T.
Molecular consequence: intron variant.
Genome position (GRCh38, 1-based): chr19:13,453,188, G>A on the plus strand (C>T on the coding strand, the complement: CACNA1A is on the minus strand). VCF-style: chr19-13453188-G-A. GRCh37 (hg19) VCF-style: chr19-13564002-G-A.
Other names: c.400-173C>T (NM_001127221.2, NM_001174080.2, NM_000068.4 and 1 more transcripts).
Identifiers: ClinVar variation 680136 (VCV000680136.1), dbSNP rs58070391, ClinGen allele CA15943576.

ClinVar aggregate classification (germline): Benign (1 of 4 stars; one submission).

Allele frequency attached by ClinVar (database versions not stated): gnomAD 0.12443 and 0.12767; TOPMed 0.12716; 1000 Genomes Project 0.17392; 1000 Genomes Project 30x 0.17442.
gnomAD v4.1: 19,252 of 152,062 alleles (13%); highest among the groups gnomAD compares: East Asian, 26%; 1,554 homozygotes.

Submission:

GeneDx
Classification: Benign. Last evaluated: 2018-06-19. Review status: criteria provided, single submitter. Criteria: GeneDx Variant Classification (06012015). Collection method: clinical testing. Allele origin: germline. Affected: yes.
Comment: This variant is considered likely benign or benign based on one or more of the following criteria: it is a conservative change, it occurs at a poorly conserved position in the protein, it is predicted to be benign by multiple in silico algorithms, and/or has population frequency not consistent with disease.